The following is an entry in ClinVar:

ClinVar aggregate classification (germline): Uncertain significance (1 of 4 stars; one submission).

Conditions:
Hereditary pheochromocytoma and paraganglioma. Also called: Hereditary paragangliomas and pheochromocytomas; Hereditary Paraganglioma-Pheochromocytoma Syndromes; Hereditary pheochromocytoma-paraganglioma. Identifiers: Orphanet 29072, MedGen C4274332, MONDO:0017366.

Submission:

Labcorp Genetics (formerly Invitae), Labcorp
Classification: Uncertain significance for Hereditary pheochromocytoma and paraganglioma. Last evaluated: 2023-03-24. Review status: criteria provided, single submitter. Criteria: Invitae Variant Classification Sherloc (09022015). Collection method: clinical testing. Allele origin: germline.
Comment: This variant, c.381_383del, results in the deletion of 1 amino acid(s) of the TMEM127 protein (p.Arg128del), but otherwise preserves the integrity of the reading frame. This variant is not present in population databases (gnomAD no frequency). This variant has not been reported in the literature in individuals affected with TMEM127-related conditions. Experimental studies and prediction algorithms are not available or were not evaluated, and the functional significance of this variant is currently unknown. In summary, the available evidence is currently insufficient to determine the role of this variant in disease. Therefore, it has been classified as a Variant of Uncertain Significance.

NM_017849.4(TMEM127):c.378TCG[1] (p.Arg128del)

Gene: TMEM127 (transmembrane protein 127; minus strand). Cytogenetic location: 2q11.2.
Variant type: Microsatellite.
Coding change: c.378TCG[1] on transcript NM_017849.4 (MANE Select); one copy of the 3-base unit TCG starting at c.378; the reference has two copies in a row; one copy, 3 bases deleted.
Protein change: p.Arg128del; deletes arginine 128.
Molecular consequence: inframe deletion.
Genome position (GRCh38, 1-based): chr2:96,254,859-96,254,861, CGA deleted on the plus strand (TCG on the coding strand, the reverse complement: TMEM127 is on the minus strand); deleting any 3 consecutive bases within chr2:96,254,859-96,254,864 gives the same sequence; the position shown is the placement nearest the transcript's 3' end. VCF-style (leftmost placement, unchanged base first): chr2-96254858-GCGA-G. GRCh37 (hg19) VCF-style: chr2-96920596-GCGA-G.
Other names: c.378TCG[1], p.Arg128del (NM_001193304.3); c.126TCG[1], p.Arg44del (NM_001407282.1, NM_001407283.1); short protein forms R128del, R44del.
Identifiers: ClinVar variation 2849022 (VCV002849022.3), dbSNP rs2467266165, ClinGen allele CA2739271173.